The following is an entry in ClinVar:

NM_000188.3(HK1):c.1549C>T (p.Arg517Trp)

Gene: HK1 (hexokinase 1; plus strand). Cytogenetic location: 10q22.1.
Variant type: single nucleotide variant.
Coding change: c.1549C>T on transcript NM_000188.3 (MANE Select); coding-DNA position 1549, C replaced by T.
Protein change: p.Arg517Trp; replaces arginine 517 with tryptophan.
Molecular consequence: missense variant.
Genome position (GRCh38, 1-based): chr10:69,382,770, C>T. VCF-style: chr10-69382770-C-T. GRCh37 (hg19) VCF-style: chr10-71142526-C-T.
Other names: c.1561C>T, p.Arg521Trp (NM_001322364.2, NM_001358263.1, NM_033497.3 and 1 more transcripts); c.1654C>T, p.Arg552Trp (NM_001322365.2); c.1465C>T, p.Arg489Trp (NM_001322366.1); c.1453C>T, p.Arg485Trp (NM_001322367.1); c.1546C>T, p.Arg516Trp (NM_033496.3); c.1513C>T, p.Arg505Trp (NM_033500.2); short protein forms R505W, R521W, R552W, R489W, R516W, R517W, R485W.
Identifiers: ClinVar variation 969655 (VCV000969655.19), dbSNP rs568551856, ClinGen allele CA5532621.

ClinVar aggregate classification (germline): Conflicting classifications of pathogenicity. Review status: criteria provided, conflicting classifications (1 of 4 stars). 5 submissions from 5 submitters: Uncertain significance (4); Likely benign (1). Last evaluated 2025-11-05.

Conditions:
HK1-related disorder. Also called: HK1-related disorders; HK1-related condition.
Inborn genetic diseases. Identifiers: MedGen C0950123, MeSH D030342.

Allele frequency attached by ClinVar (database versions not stated): TOPMed 0.00002; gnomAD 0.00003; gnomAD exomes 0.00008 and 0.00021; 1000 Genomes Project 30x 0.00016; 1000 Genomes Project 0.00020; ExAC 0.00021.
gnomAD v4.1: 129 of 1,612,226 alleles (0.008%); highest among the groups gnomAD compares: South Asian, 0.11%; 1 homozygote.

Submissions (5):

Labcorp Genetics (formerly Invitae), Labcorp
Classification: Uncertain significance. Last evaluated: 2025-11-05. Review status: criteria provided, single submitter. Criteria: Invitae Variant Classification Sherloc (09022015). Collection method: clinical testing. Allele origin: germline.
Comment: This sequence change replaces arginine, which is basic and polar, with tryptophan, which is neutral and slightly polar, at codon 517 of the HK1 protein (p.Arg517Trp). This variant is present in population databases (rs568551856, gnomAD 0.2%). This variant has not been reported in the literature in individuals affected with HK1-related conditions. ClinVar contains an entry for this variant (Variation ID: 969655). Invitae Evidence Modeling of protein sequence and biophysical properties (such as structural, functional, and spatial information, amino acid conservation, physicochemical variation, residue mobility, and thermodynamic stability) indicates that this missense variant is not expected to disrupt HK1 protein function with a negative predictive value of 80%. In summary, the available evidence is currently insufficient to determine the role of this variant in disease. Therefore, it has been classified as a Variant of Uncertain Significance.

PreventionGenetics, part of Exact Sciences
Classification: Likely benign for HK1-related condition. Last evaluated: 2025-10-16. Review status: criteria provided, single submitter. Criteria: ACMG Guidelines, 2015. Collection method: clinical testing. Allele origin: germline.
Comment: This variant is classified as likely benign based on ACMG/AMP sequence variant interpretation guidelines (Richards et al. 2015 PMID: 25741868, with internal and published modifications).

Blueprint Genetics
Classification: Uncertain significance. Last evaluated: 2024-10-16. Review status: criteria provided, single submitter. Criteria: ACMG Guidelines, 2015. Collection method: clinical testing. Allele origin: germline.

Ambry Genetics
Classification: Uncertain significance for Inborn genetic diseases. Last evaluated: 2023-02-07. Review status: criteria provided, single submitter. Criteria: Ambry Variant Classification Scheme 2023. Collection method: clinical testing. Allele origin: germline.

ARUP Laboratories, Molecular Genetics and Genomics, ARUP Laboratories
Classification: Uncertain significance. Last evaluated: 2020-03-20. Review status: criteria provided, single submitter. Criteria: ARUP Molecular Germline Variant Investigation Process. Collection method: clinical testing. Allele origin: germline.